The following is an entry in ClinVar:

ClinVar aggregate classification (germline): Uncertain significance (1 of 4 stars; one submission).

Conditions:
Inclusion body myopathy with early-onset Paget disease with or without frontotemporal dementia 2 (IBMPFD2). Also called: MULTISYSTEM PROTEINOPATHY 2. Identifiers: MedGen C3809468, MONDO:0014178, OMIM 615422.

Submission:

Labcorp Genetics (formerly Invitae), Labcorp
Classification: Uncertain significance for Inclusion body myopathy with early-onset Paget disease with or without frontotemporal dementia 2. Last evaluated: 2022-09-06. Review status: criteria provided, single submitter. Criteria: Invitae Variant Classification Sherloc (09022015). Collection method: clinical testing. Allele origin: germline.
Comment: This variant is not present in population databases (gnomAD no frequency). This variant, c.845_847dup, results in the insertion of 1 amino acid(s) of the HNRNPA2B1 protein (p.Gly282_Tyr283insCys), but otherwise preserves the integrity of the reading frame. This variant has not been reported in the literature in individuals affected with HNRNPA2B1-related conditions. Experimental studies and prediction algorithms are not available or were not evaluated, and the functional significance of this variant is currently unknown. In summary, the available evidence is currently insufficient to determine the role of this variant in disease. Therefore, it has been classified as a Variant of Uncertain Significance.

NM_002137.4(HNRNPA2B1):c.809_811dup (p.Gly270_Tyr271insCys)

Gene: HNRNPA2B1 (heterogeneous nuclear ribonucleoprotein A2/B1; minus strand). Cytogenetic location: 7p15.2.
Variant type: Duplication.
Coding change: c.809_811dup on transcript NM_002137.4 (MANE Select); coding-DNA positions 809 to 811, 3 bases duplicated (GCT; older notation c.809_811dupGCT).
Protein change: p.Gly270_Tyr271insCys.
Molecular consequence: inframe insertion. On other transcripts: inframe indel (1).
Genome position (GRCh38, 1-based): chr7:26,193,605-26,193,607, AGC duplicated on the plus strand (GCT on the coding strand, the reverse complement: HNRNPA2B1 is on the minus strand). VCF-style (leftmost placement, unchanged base first): chr7-26193604-T-TAGC. GRCh37 (hg19) VCF-style: chr7-26233224-T-TAGC.
Other names: c.845_847dup, p.Gly282_Tyr283insCys (NM_031243.4).
Identifiers: ClinVar variation 2029159 (VCV002029159.4), dbSNP rs2535724152, ClinGen allele CA2580076968.
Genomic context (GRCh38, chr7:26,193,604, plus strand): 5'-CCCACATAAAGGTTGCAGGTGAATTTATTACCTCCTCCATAGTTGTCATAACCACCTCCG[T>TAGC]AGCCCCCACCCTGGTTGCCATATCCAGGTCCTCCACCACCATATCCTCCTCTTCCTCCTC-3'